The following is an entry in ClinVar:

NM_005560.6(LAMA5):c.10453G>A (p.Val3485Ile)

Gene: LAMA5 (laminin subunit alpha 5; minus strand). Cytogenetic location: 20q13.33.
Variant type: single nucleotide variant.
Coding change: c.10453G>A on transcript NM_005560.6 (MANE Select); coding-DNA position 10453, G replaced by A.
Protein change: p.Val3485Ile; replaces valine 3485 with isoleucine.
Molecular consequence: missense variant.
Genome position (GRCh38, 1-based): chr20:62,310,566, C>T on the plus strand (G>A on the coding strand, the complement: LAMA5 is on the minus strand). VCF-style: chr20-62310566-C-T. GRCh37 (hg19) VCF-style: chr20-60885622-C-T.
Other names: c.10453G>A (NM_005560.3); short protein forms V3485I.
Identifiers: ClinVar variation 785666 (VCV000785666.11), dbSNP rs200907939, ClinGen allele CA9939775.

ClinVar aggregate classification (germline): Likely benign. Review status: criteria provided, multiple submitters, no conflicts (2 of 4 stars). 3 submissions from 3 submitters: Likely benign (2). 1 of the submissions does not count toward it. Last evaluated 2025-11-19.

Conditions:
LAMA5-related disorder. Also called: LAMA5-Related Disorders; LAMA5-related condition.
Inborn genetic diseases. Identifiers: MedGen C0950123, MeSH D030342.

Allele frequency attached by ClinVar (database versions not stated): gnomAD exomes 0.00012 and 0.00043; ExAC 0.00047; ESP Exome Variant Server 0.00120; 1000 Genomes Project 0.00140; gnomAD 0.00140; 1000 Genomes Project 30x 0.00172; TOPMed 0.00177.
gnomAD v4.1: 442 of 1,548,342 alleles (0.029%); highest among the groups gnomAD compares: African/African-American, 0.52%; no homozygotes.

Submissions (3):

Labcorp Genetics (formerly Invitae), Labcorp
Classification: Likely benign. Last evaluated: 2025-11-19. Review status: criteria provided, single submitter. Criteria: Invitae Variant Classification Sherloc (09022015). Collection method: clinical testing. Allele origin: germline.

Ambry Genetics
Classification: Likely benign for Inborn genetic diseases. Last evaluated: 2024-08-07. Review status: criteria provided, single submitter. Criteria: Ambry Variant Classification Scheme 2023. Collection method: clinical testing. Allele origin: germline.

PreventionGenetics, part of Exact Sciences
Classification: Likely benign for LAMA5-related condition. Last evaluated: 2020-12-21. Review status: no assertion criteria provided. Collection method: clinical testing. Allele origin: germline. Not counted in ClinVar's aggregate classification.
Comment: This variant is classified as likely benign based on ACMG/AMP sequence variant interpretation guidelines (Richards et al. 2015 PMID: 25741868, with internal and published modifications).